The following is an entry in ClinVar:

NM_001110556.2(FLNA):c.7500G>A (p.Lys2500=)

Gene: FLNA (filamin A; minus strand). Cytogenetic location: Xq28.
Variant type: single nucleotide variant.
Coding change: c.7500G>A on transcript NM_001110556.2 (MANE Select); coding-DNA position 7500, G replaced by A.
Protein change: p.Lys2500=; no amino-acid change (lysine 2500 retained).
Molecular consequence: synonymous variant.
Genome position (GRCh38, 1-based): chrX:154,349,701, C>T on the plus strand (G>A on the coding strand, the complement: FLNA is on the minus strand). VCF-style: chrX-154349701-C-T. GRCh37 (hg19) VCF-style: chrX-153578069-C-T.
Other names: c.7476G>A, p.Lys2492= (NM_001456.4).
Identifiers: ClinVar variation 2661791 (VCV002661791.24), dbSNP rs2067604074, ClinGen allele CA519705913.

ClinVar aggregate classification (germline): Uncertain significance (1 of 4 stars; one submission).

Allele frequency attached by ClinVar (database versions not stated): gnomAD exomes below 0.00001.
gnomAD v4.1: 2 of 1,212,048 alleles (0.00017%); highest among the groups gnomAD compares: Admixed American, 0.0022%; no homozygotes.

Submission:

CeGaT Center for Human Genetics Tuebingen
Classification: Uncertain significance. Last evaluated: 2023-10-01. Review status: criteria provided, single submitter. Criteria: CeGaT Center For Human Genetics Tuebingen Variant Classification Criteria Version 2. Collection method: clinical testing. Allele origin: germline. Affected: yes. Observed: 1 variant allele.
Comment: FLNA: PM2:Supporting, BP4